The following is an entry in ClinVar:

NM_001903.5(CTNNA1):c.1853T>C (p.Val618Ala)

Gene: CTNNA1 (catenin alpha 1; plus strand). Cytogenetic location: 5q31.2.
Variant type: single nucleotide variant.
Coding change: c.1853T>C on transcript NM_001903.5 (MANE Select); coding-DNA position 1853, T replaced by C.
Protein change: p.Val618Ala; replaces valine 618 with alanine.
Molecular consequence: missense variant.
Genome position (GRCh38, 1-based): chr5:138,925,361, T>C. VCF-style: chr5-138925361-T-C. GRCh37 (hg19) VCF-style: chr5-138261050-T-C.
Other names: c.1853T>C, p.Val618Ala (NM_001290307.3, NM_001323982.2, NM_001323983.1 and 2 more transcripts); c.1544T>C, p.Val515Ala (NM_001290309.3); c.1484T>C, p.Val495Ala (NM_001290310.3); c.743T>C, p.Val248Ala (NM_001290312.1, NM_001323987.1, NM_001323988.1 and 17 more transcripts); c.1760T>C, p.Val587Ala (NM_001323986.2); c.404T>C, p.Val135Ala (NM_001324006.1, NM_001324007.1, NM_001324008.1 and 2 more transcripts); c.650T>C, p.Val217Ala (NM_001324011.1); c.500T>C, p.Val167Ala (NM_001324012.1, NM_001324013.1); short protein forms V248A, V495A, V587A, V135A, V217A, V167A, V515A, V618A.
Identifiers: ClinVar variation 4635152 (VCV004635152.1).

ClinVar aggregate classification (germline): Uncertain significance (1 of 4 stars; one submission).

Conditions:
Hereditary cancer-predisposing syndrome. Also called: Neoplastic Syndromes, Hereditary; Tumor predisposition; Hereditary Cancer Syndrome; Hereditary neoplastic syndrome. Identifiers: Orphanet 140162, MedGen C0027672, MeSH D009386, MONDO:0015356.

Submission:

Ambry Genetics
Classification: Uncertain significance for Hereditary cancer-predisposing syndrome. Last evaluated: 2025-10-21. Review status: criteria provided, single submitter. Criteria: Ambry Variant Classification Scheme 2023. Collection method: clinical testing. Allele origin: germline.
Comment: The p.V618A variant (also known as c.1853T>C), located in coding exon 12 of the CTNNA1 gene, results from a T to C substitution at nucleotide position 1853. The valine at codon 618 is replaced by alanine, an amino acid with similar properties. This amino acid position is conserved. In addition, the in silico prediction for this alteration is inconclusive. Based on the available evidence, the clinical significance of this variant remains unclear.